The following is an entry in ClinVar:

NM_001144967.3(NEDD4L):c.2668A>C (p.Met890Leu)

Gene: NEDD4L (NEDD4 like E3 ubiquitin protein ligase; plus strand). Cytogenetic location: 18q21.31.
Variant type: single nucleotide variant.
Coding change: c.2668A>C on transcript NM_001144967.3 (MANE Select); coding-DNA position 2668, A replaced by C.
Protein change: p.Met890Leu; replaces methionine 890 with leucine.
Molecular consequence: missense variant.
Genome position (GRCh38, 1-based): chr18:58,390,658, A>C. VCF-style: chr18-58390658-A-C. GRCh37 (hg19) VCF-style: chr18-56057890-A-C.
Other names: c.2305A>C, p.Met769Leu (NM_001144964.1, NM_001144965.2, NM_001144966.3); c.2644A>C, p.Met882Leu (NM_001144968.2); c.2584A>C, p.Met862Leu (NM_001144969.2); c.2245A>C, p.Met749Leu (NM_001144970.3, NM_001144971.2); c.2476A>C, p.Met826Leu (NM_001243960.2); c.2608A>C, p.Met870Leu (NM_015277.6); short protein forms M749L, M769L, M826L, M862L, M870L, M882L, M890L.
Identifiers: ClinVar variation 2442545 (VCV002442545.1), dbSNP rs1168844852, ClinGen allele CA402559908.

ClinVar aggregate classification (germline): Uncertain significance (1 of 4 stars; one submission).

Submission:

GeneDx
Classification: Uncertain significance. Last evaluated: 2022-09-01. Review status: criteria provided, single submitter. Criteria: GeneDx Variant Classification Process June 2021. Collection method: clinical testing. Allele origin: germline. Affected: yes.
Comment: Not observed at significant frequency in large population cohorts (gnomAD); In silico analysis supports that this missense variant does not alter protein structure/function; Has not been previously published as pathogenic or benign to our knowledge